The following is an entry in ClinVar:

ClinVar aggregate classification (germline): Uncertain significance (1 of 4 stars; one submission).

gnomAD v4.1: 4 of 1,600,126 alleles (0.00025%); highest among the groups gnomAD compares: Admixed American, 0.0017%; no homozygotes.

Submission:

Women's Health and Genetics/Laboratory Corporation of America, LabCorp
Classification: Uncertain significance. Last evaluated: 2026-03-10. Review status: criteria provided, single submitter. Criteria: LabCorp Variant Classification Summary - May 2015. Collection method: clinical testing. Allele origin: germline.
Comment: Variant summary: FOXI1 c.368G>A (p.Arg123Gln) results in a conservative amino acid change in the encoded protein sequence. Algorithms developed to predict the effect of missense changes on protein structure and function are either unavailable or do not agree on the potential impact of this missense change. The variant allele was found at a frequency of 4.4e-06 in 225754 control chromosomes. The available data on variant occurrences in the general population are insufficient to allow any conclusion about variant significance. To our knowledge, no occurrence of c.368G>A in individuals affected with FOXI1-related conditions and no experimental evidence demonstrating its impact on protein function have been reported. No submitters have cited clinical-significance assessments for this variant to ClinVar. Based on the evidence outlined above, the variant was classified as uncertain significance.

NM_012188.5(FOXI1):c.368G>A (p.Arg123Gln)

Gene: FOXI1 (forkhead box I1; plus strand). Cytogenetic location: 5q35.1.
Variant type: single nucleotide variant.
Coding change: c.368G>A on transcript NM_012188.5 (MANE Select); coding-DNA position 368, G replaced by A.
Protein change: p.Arg123Gln; replaces arginine 123 with glutamine.
Molecular consequence: missense variant.
Genome position (GRCh38, 1-based): chr5:170,106,325, G>A. VCF-style: chr5-170106325-G-A. GRCh37 (hg19) VCF-style: chr5-169533329-G-A.
Other names: c.368G>A, p.Arg123Gln (NM_144769.4); short protein forms R123Q.
Identifiers: ClinVar variation 4847352 (VCV004847352.1).